The following is an entry in ClinVar:

ClinVar aggregate classification (germline): Uncertain significance (1 of 4 stars; one submission).

Conditions:
Brugada syndrome 8 (BRGDA8). Identifiers: Orphanet 130, MedGen C2751083, MONDO:0013148, OMIM 613123.

gnomAD v4.1: 2 of 1,614,180 alleles (0.00012%); highest among the groups gnomAD compares: Non-Finnish European, 0.00017%; no homozygotes.

Submission:

Labcorp Genetics (formerly Invitae), Labcorp
Classification: Uncertain significance for Brugada syndrome 8. Last evaluated: 2025-03-31. Review status: criteria provided, single submitter. Criteria: Invitae Variant Classification Sherloc (09022015). Collection method: clinical testing. Allele origin: germline.
Comment: This sequence change replaces methionine, which is neutral and non-polar, with threonine, which is neutral and polar, at codon 496 of the HCN4 protein (p.Met496Thr). This variant is not present in population databases (gnomAD no frequency). This variant has not been reported in the literature in individuals affected with HCN4-related conditions. Invitae Evidence Modeling of protein sequence and biophysical properties (such as structural, functional, and spatial information, amino acid conservation, physicochemical variation, residue mobility, and thermodynamic stability) has been performed for this missense variant. However, the output from this modeling did not meet the statistical confidence thresholds required to predict the impact of this variant on HCN4 protein function. In summary, the available evidence is currently insufficient to determine the role of this variant in disease. Therefore, it has been classified as a Variant of Uncertain Significance.

NM_005477.3(HCN4):c.1487T>C (p.Met496Thr)

Gene: HCN4 (hyperpolarization activated cyclic nucleotide gated potassium channel 4; minus strand). Cytogenetic location: 15q24.1.
Variant type: single nucleotide variant.
Coding change: c.1487T>C on transcript NM_005477.3 (MANE Select); coding-DNA position 1487, T replaced by C.
Protein change: p.Met496Thr; replaces methionine 496 with threonine.
Molecular consequence: missense variant.
Genome position (GRCh38, 1-based): chr15:73,329,676, A>G on the plus strand (T>C on the coding strand, the complement: HCN4 is on the minus strand). VCF-style: chr15-73329676-A-G. GRCh37 (hg19) VCF-style: chr15-73622017-A-G.
Other names: short protein forms M496T.
Identifiers: ClinVar variation 4765137 (VCV004765137.1).